The following is an entry in ClinVar:

ClinVar aggregate classification (germline): Conflicting classifications of pathogenicity. Review status: criteria provided, conflicting classifications (1 of 4 stars). 6 submissions from 6 submitters: Uncertain significance (4); Likely benign (2). Last evaluated 2026-01-10.

Conditions:
Hereditary cancer-predisposing syndrome. Also called: Neoplastic Syndromes, Hereditary; Hereditary Cancer Syndrome; Tumor predisposition; Hereditary neoplastic syndrome. Identifiers: Orphanet 140162, MedGen C0027672, MeSH D009386, MONDO:0015356.
MSH3-related disorder. Also called: MSH3-related condition.

Allele frequency attached by ClinVar (database versions not stated): gnomAD exomes 0.00003; TOPMed 0.00003; gnomAD 0.00004; ExAC 0.00006.
gnomAD v4.1: 41 of 1,613,698 alleles (0.0025%); highest among the groups gnomAD compares: Non-Finnish European, 0.0035%; 1 homozygote.

Submissions (6):

PreventionGenetics, part of Exact Sciences
Classification: Uncertain significance for MSH3-related condition. Last evaluated: 2026-01-10. Review status: criteria provided, single submitter. Criteria: ACMG Guidelines, 2015. Collection method: clinical testing. Allele origin: germline.
Comment: The MSH3 c.517A>G variant is predicted to result in the amino acid substitution p.Ser173Gly. To our knowledge, this variant has not been reported in the literature. This variant is reported in 0.0062% of alleles in individuals of European (Non-Finnish) descent in gnomAD and has interpretations in the ClinVar database ranging from uncertain to likely benign (Variation ID: 647191). At this time, the clinical significance of this variant is uncertain due to the absence of conclusive functional and genetic evidence.

Labcorp Genetics (formerly Invitae), Labcorp
Classification: Uncertain significance. Last evaluated: 2025-12-24. Review status: criteria provided, single submitter. Criteria: Invitae Variant Classification Sherloc (09022015). Collection method: clinical testing. Allele origin: germline.
Comment: This sequence change replaces serine, which is neutral and polar, with glycine, which is neutral and non-polar, at codon 173 of the MSH3 protein (p.Ser173Gly). This variant is present in population databases (rs750311213, gnomAD 0.005%). This variant has not been reported in the literature in individuals affected with MSH3-related conditions. ClinVar contains an entry for this variant (Variation ID: 647191). An algorithm developed to predict the effect of missense changes on protein structure and function (PolyPhen-2) suggests that this variant is likely to be tolerated. In summary, the available evidence is currently insufficient to determine the role of this variant in disease. Therefore, it has been classified as a Variant of Uncertain Significance.

Ambry Genetics
Classification: Likely benign for Hereditary cancer-predisposing syndrome. Last evaluated: 2024-12-23. Review status: criteria provided, single submitter. Criteria: Ambry Variant Classification Scheme 2023. Collection method: clinical testing. Allele origin: germline.

GeneDx
Classification: Uncertain significance. Last evaluated: 2024-09-27. Review status: criteria provided, single submitter. Criteria: GeneDx Variant Classification Process June 2021. Collection method: clinical testing. Allele origin: germline. Affected: yes.
Comment: Not observed at significant frequency in large population cohorts (gnomAD); In silico analysis indicates that this missense variant does not alter protein structure/function; Has not been previously published as pathogenic or benign to our knowledge

CeGaT Center for Human Genetics Tuebingen
Classification: Likely benign. Last evaluated: 2023-07-01. Review status: criteria provided, single submitter. Criteria: CeGaT Center For Human Genetics Tuebingen Variant Classification Criteria Version 2. Collection method: clinical testing. Allele origin: germline. Affected: yes. Observed: 1 variant allele.
Comment: MSH3: PM2:Supporting, BP1, BP4

Sema4
Classification: Uncertain significance for Hereditary cancer-predisposing syndrome. Last evaluated: 2021-11-24. Review status: criteria provided, single submitter. Criteria: Sema4 Curation Guidelines. Collection method: curation. Allele origin: germline.
Comment: The MSH3 c.517A>G (p.S173G) variant has not been reported in the literature to our knowledge. It was observed in 7/113670 chromosomes of the European non Finnish subpopulation in the large and broad cohorts of the Genome Aggregation Database (PMID: 32461654). The variant was reported in ClinVar (Variation ID: 647191). Functional studies have not been performed, and in silico predictions of the variant's effect on protein function are inconclusive. The evidence is insufficient to meet ACMG/AMP criteria for classifying the variant as benign or pathogenic. Thus, the clinical significance of this variant is currently uncertain.

NM_002439.5(MSH3):c.517A>G (p.Ser173Gly)

Gene: MSH3 (mutS homolog 3; plus strand). Cytogenetic location: 5q14.1.
Variant type: single nucleotide variant.
Coding change: c.517A>G on transcript NM_002439.5 (MANE Select); coding-DNA position 517, A replaced by G.
Protein change: p.Ser173Gly; replaces serine 173 with glycine.
Molecular consequence: missense variant.
Genome position (GRCh38, 1-based): chr5:80,665,301, A>G. VCF-style: chr5-80665301-A-G. GRCh37 (hg19) VCF-style: chr5-79961120-A-G.
Other names: short protein forms S173G.
Identifiers: ClinVar variation 647191 (VCV000647191.41), dbSNP rs750311213, ClinGen allele CA3327615.